The following is an entry in ClinVar:

ClinVar aggregate classification (germline): Uncertain significance (1 of 4 stars; one submission).

Allele frequency attached by ClinVar (database versions not stated): TOPMed 0.00001; ExAC 0.00002.

Submission:

Labcorp Genetics (formerly Invitae), Labcorp
Classification: Uncertain significance. Last evaluated: 2022-04-13. Review status: criteria provided, single submitter. Criteria: Invitae Variant Classification Sherloc (09022015). Collection method: clinical testing. Allele origin: germline.
Comment: In summary, the available evidence is currently insufficient to determine the role of this variant in disease. Therefore, it has been classified as a Variant of Uncertain Significance. Algorithms developed to predict the effect of missense changes on protein structure and function output the following: SIFT: "Tolerated"; PolyPhen-2: "Benign"; Align-GVGD: "Class C0". The threonine amino acid residue is found in multiple mammalian species, which suggests that this missense change does not adversely affect protein function. This variant has not been reported in the literature in individuals affected with APOA5-related conditions. This variant is present in population databases (rs751582219, gnomAD 0.02%). This sequence change replaces alanine, which is neutral and non-polar, with threonine, which is neutral and polar, at codon 325 of the APOA5 protein (p.Ala325Thr).

NM_001371904.1(APOA5):c.973G>A (p.Ala325Thr)

Gene: APOA5 (apolipoprotein A5; minus strand). Cytogenetic location: 11q23.3.
Variant type: single nucleotide variant.
Coding change: c.973G>A on transcript NM_001371904.1 (MANE Select); coding-DNA position 973, G replaced by A.
Protein change: p.Ala325Thr; replaces alanine 325 with threonine.
Molecular consequence: missense variant.
Genome position (GRCh38, 1-based): chr11:116,790,256, C>T on the plus strand (G>A on the coding strand, the complement: APOA5 is on the minus strand). VCF-style: chr11-116790256-C-T. GRCh37 (hg19) VCF-style: chr11-116660972-C-T.
Other names: c.973G>A, p.Ala325Thr (NM_001166598.2, NM_052968.5); short protein forms A325T.
Identifiers: ClinVar variation 1925752 (VCV001925752.5), dbSNP rs751582219, ClinGen allele CA6288953.